The following is an entry in ClinVar:

ClinVar aggregate classification (germline): Likely benign. Review status: criteria provided, single submitter (1 of 4 stars). 2 submissions from 2 submitters: Likely benign (1). 1 of the submissions does not count toward it. Last evaluated 2025-05-05.

Conditions:
BCAT2-related disorder. Also called: BCAT2-related condition.

Allele frequency attached by ClinVar (database versions not stated): ExAC 0.00032; TOPMed 0.00040; gnomAD 0.00056; gnomAD exomes 0.00073; ESP Exome Variant Server 0.00077.
gnomAD v4.1: 1,125 of 1,613,910 alleles (0.07%); highest among the groups gnomAD compares: Non-Finnish European, 0.091%; 2 homozygotes.

Submissions (2):

Labcorp Genetics (formerly Invitae), Labcorp
Classification: Likely benign. Last evaluated: 2025-05-05. Review status: criteria provided, single submitter. Criteria: Invitae Variant Classification Sherloc (09022015). Collection method: clinical testing. Allele origin: germline.

PreventionGenetics, part of Exact Sciences
Classification: Likely benign for BCAT2-related condition. Last evaluated: 2019-04-07. Review status: no assertion criteria provided. Collection method: clinical testing. Allele origin: germline. Not counted in ClinVar's aggregate classification.
Comment: This variant is classified as likely benign based on ACMG/AMP sequence variant interpretation guidelines (Richards et al. 2015 PMID: 25741868, with internal and published modifications).

NM_001190.4(BCAT2):c.924+8C>T

Gene: BCAT2 (branched chain amino acid transaminase 2; minus strand). Cytogenetic location: 19q13.33.
Variant type: single nucleotide variant.
Coding change: c.924+8C>T on transcript NM_001190.4 (MANE Select); 8 bases into the intron after coding-DNA position 924, C replaced by T.
Molecular consequence: intron variant.
Genome position (GRCh38, 1-based): chr19:48,796,929, G>A on the plus strand (C>T on the coding strand, the complement: BCAT2 is on the minus strand). VCF-style: chr19-48796929-G-A. GRCh37 (hg19) VCF-style: chr19-49300186-G-A.
Other names: c.648+8C>T (NM_001164773.2); c.804+8C>T (NM_001284325.2); c.924+8C>T (NM_001190.3).
Identifiers: ClinVar variation 2039031 (VCV002039031.6), dbSNP rs368707614, ClinGen allele CA9558267.